The following is an entry in ClinVar:

NM_000532.5(PCCB):c.737G>T (p.Gly246Val)

Gene: PCCB (propionyl-CoA carboxylase subunit beta; plus strand). Cytogenetic location: 3q22.3.
Variant type: single nucleotide variant.
Coding change: c.737G>T on transcript NM_000532.5 (MANE Select); coding-DNA position 737, G replaced by T.
Protein change: p.Gly246Val; replaces glycine 246 with valine.
Molecular consequence: missense variant.
Genome position (GRCh38, 1-based): chr3:136,293,838, G>T. VCF-style: chr3-136293838-G-T. GRCh37 (hg19) VCF-style: chr3-136012680-G-T.
Other names: c.797G>T, p.Gly266Val (NM_001178014.2); short protein forms G246V, G266V.
Identifiers: ClinVar variation 1076061 (VCV001076061.9), dbSNP rs2108197348, ClinGen allele CA354643688.

ClinVar aggregate classification (germline): Pathogenic (1 of 4 stars; one submission).

Conditions:
Propionic acidemia (PROP). Also called: GLYCINEMIA, KETOTIC; HYPERGLYCINEMIA WITH KETOACIDOSIS AND LEUKOPENIA; KETOTIC HYPERGLYCINEMIA. Identifiers: Orphanet 35, MedGen C0268579, MONDO:0011628, OMIM 606054, HP:0003571.

Submission:

Labcorp Genetics (formerly Invitae), Labcorp
Classification: Pathogenic for Propionic acidemia. Last evaluated: 2021-08-28. Review status: criteria provided, single submitter. Criteria: Invitae Variant Classification Sherloc (09022015). Collection method: clinical testing. Allele origin: germline.
Comment: For these reasons, this variant has been classified as Pathogenic. Experimental studies have shown that this variant affects PCCB protein function (PMID: 15949719). Advanced modeling of protein sequence and biophysical properties (such as structural, functional, and spatial information, amino acid conservation, physicochemical variation, residue mobility, and thermodynamic stability) performed at Invitae indicates that this missense variant is expected to disrupt PCCB protein function. This variant has been observed in individual(s) with propionic acidemia (PMID: 12559849, 21125326, Invitae). In at least one individual the data is consistent with the variant being in trans (on the opposite chromosome) from a pathogenic variant. This variant is not present in population databases (ExAC no frequency). This sequence change replaces glycine with valine at codon 246 of the PCCB protein (p.Gly246Val). The glycine residue is highly conserved and there is a moderate physicochemical difference between glycine and valine.

Literature cited by the submitters: PubMed 15949719; PubMed 12559849; PubMed 21125326.